The following is an entry in ClinVar:

ClinVar aggregate classification (germline): Benign. Review status: criteria provided, multiple submitters, no conflicts (2 of 4 stars). 5 submissions from 5 submitters: Benign (5). Last evaluated 2026-02-04.

Conditions:
Immunodeficiency due to CD25 deficiency. Also called: IL2RA DEFICIENCY; CD25 DEFICIENCY; IMMUNODEFICIENCY 41 WITH LYMPHOPROLIFERATION AND AUTOIMMUNITY. Identifiers: Orphanet 169100, MedGen C1853392, MONDO:0011664, OMIM 606367.

Allele frequency attached by ClinVar (database versions not stated): 1000 Genomes Project 30x 0.87695; ESP Exome Variant Server 0.88259; TOPMed 0.88535; 1000 Genomes Project 0.88718; gnomAD 0.89057 and 0.89589.
gnomAD v4.1: 1,545,542 of 1,612,252 alleles (96%); highest among the groups gnomAD compares: East Asian, 100%; 743,801 homozygotes.

Submissions (5):

Labcorp Genetics (formerly Invitae), Labcorp
Classification: Benign for Immunodeficiency due to CD25 deficiency. Last evaluated: 2026-02-04. Review status: criteria provided, single submitter. Criteria: Invitae Variant Classification Sherloc (09022015). Collection method: clinical testing. Allele origin: germline.

Blueprint Genetics
Classification: Benign. Last evaluated: 2024-11-27. Review status: criteria provided, single submitter. Criteria: ACMG Guidelines, 2015. Collection method: clinical testing. Allele origin: germline.

Unidad de Genómica Garrahan, Hospital de Pediatría Garrahan
Classification: Benign. Last evaluated: 2023-11-02. Review status: criteria provided, single submitter. Criteria: ACMG Guidelines, 2015. Collection method: clinical testing. Allele origin: germline. Affected: no. Observed: 96 variant alleles.
Comment: This variant is classified as Benign based on local population frequency. This variant was detected in 100% of patients studied by a panel of primary immunodeficiencies. Number of patients: 96. Only high quality variants are reported.

Genome-Nilou Lab
Classification: Benign for Immunodeficiency due to CD25 deficiency. Last evaluated: 2021-08-19. Review status: criteria provided, single submitter. Criteria: ACMG Guidelines, 2015. Collection method: clinical testing. Allele origin: germline. Affected: no.

Breakthrough Genomics
Classification: Benign. Review status: criteria provided, single submitter. Criteria: ACMG Guidelines, 2015. Collection method: not provided. Allele origin: germline. Inheritance: Autosomal recessive inheritance. Affected: yes.

NM_000417.3(IL2RA):c.368-18A>G

Gene: IL2RA (interleukin 2 receptor subunit alpha; minus strand). Cytogenetic location: 10p15.1.
Variant type: single nucleotide variant.
Coding change: c.368-18A>G on transcript NM_000417.3 (MANE Select); 18 bases into the intron before coding-DNA position 368, A replaced by G.
Molecular consequence: intron variant.
Genome position (GRCh38, 1-based): chr10:6,021,711, T>C on the plus strand (A>G on the coding strand, the complement: IL2RA is on the minus strand). VCF-style: chr10-6021711-T-C. GRCh37 (hg19) VCF-style: chr10-6063674-T-C.
Other names: c.368-2212A>G (NM_001308243.2); c.368-1770A>G (NM_001308242.2).
Identifiers: ClinVar variation 1164972 (VCV001164972.15), dbSNP rs942200, ClinGen allele CA5397457.
Genomic context (GRCh38, chr10:6,021,711, plus strand): 5'-TCTGTGGCTTCATTTTCCCATGGTGGAGGTTCCCTGCAGTGACCTGGAAGATGGAAGGAA[T>C]GCTCTGAAGGCAAGTTGGGGACAGCACCGCGAGTGAGTCCAGGTTGCCTCTTGCTAGGGA-3'